The following is an entry in ClinVar:

NC_000016.9:g.(?_56919157)_(56933548_?)dup

Gene: SLC12A3 (solute carrier family 12 member 3; plus strand). Cytogenetic location: 16q13.
Variant type: Duplication.
Identifiers: ClinVar variation 3243580 (VCV003243580.1).

ClinVar aggregate classification (germline): Likely pathogenic (1 of 4 stars; one submission).

Submission:

Labcorp Genetics (formerly Invitae), Labcorp
Classification: Likely pathogenic. Last evaluated: 2022-12-26. Review status: criteria provided, single submitter. Criteria: Invitae Variant Classification Sherloc (09022015). Collection method: clinical testing. Allele origin: unknown.
Comment: This variant has not been reported in the literature in individuals affected with SLC12A3-related conditions. In summary, the currently available evidence indicates that the variant is pathogenic, but additional data are needed to prove that conclusively. Therefore, this variant has been classified as Likely Pathogenic. This variant results in a copy number gain of the genomic region encompassing exon(s) 15-23 of the SLC12A3 gene. While the exact position of this variant cannot be determined from the data, sub-genic copy number gains are generally in tandem (PMID: 25640679). This variant is predicted to be out-of-frame, and may result in an absent or disrupted protein product. Loss-of-function variants in SLC12A3 are known to be pathogenic (PMID: 20848653, 22009145, 25841442).

Literature cited by the submitters: PubMed 25640679; PubMed 20848653; PubMed 22009145; PubMed 25841442.